The following is an entry in ClinVar:

ClinVar aggregate classification (germline): Uncertain significance. Review status: criteria provided, multiple submitters, no conflicts (2 of 4 stars). 6 submissions from 6 submitters: Uncertain significance (6). Last evaluated 2026-03-24.

Conditions:
Epidermolysis bullosa simplex 5B, with muscular dystrophy (EBS5B). Also called: Epidermolysis bullosa simplex with muscular dystrophy; EPIDERMOLYSIS BULLOSA SIMPLEX AND LIMB-GIRDLE MUSCULAR DYSTROPHY. Identifiers: Orphanet 257, MedGen C2931072, MONDO:0009181, OMIM 226670.
Autosomal recessive limb-girdle muscular dystrophy type 2Q (LGMDR17). Also called: MUSCULAR DYSTROPHY, LIMB-GIRDLE, AUTOSOMAL RECESSIVE 17. Identifiers: Orphanet 254361, MedGen C3150989, MONDO:0013390, OMIM 613723.
Epidermolysis bullosa simplex 5C, with pyloric atresia (EBS5C). Also called: PLEC-Related Epidermolysis Bullosa with Pyloric Atresia; PLEC1-Related Epidermolysis Bullosa with Pyloric Atresia; Epidermolysis bullosa simplex with pyloric atresia. Identifiers: Orphanet 158684, MedGen C2677349, MONDO:0012807, OMIM 612138.
Epidermolysis bullosa simplex, Ogna type (EBS5A). Also called: Pidermolysis bullosa simplex 5A, Ogna type; EPIDERMOLYSIS BULLOSA SIMPLEX 5A, OGNA TYPE. Identifiers: Orphanet 79401, MedGen C0432317, MONDO:0007555, OMIM 131950.
Epidermolysis bullosa simplex with nail dystrophy (EBS5D). Identifiers: MedGen C4225309, MONDO:0014661, OMIM 616487.
PLEC-related disorder. Also called: PLEC-related condition; PLEC-related disorders.
Inborn genetic diseases. Identifiers: MedGen C0950123, MeSH D030342.

Allele frequency attached by ClinVar (database versions not stated): gnomAD exomes 0.00003 and 0.00007; ExAC 0.00008; 1000 Genomes Project 30x 0.00016; ESP Exome Variant Server 0.00016; gnomAD 0.00020 and 0.00021; TOPMed 0.00020.
gnomAD v4.1: 68 of 1,613,204 alleles (0.0042%); highest among the groups gnomAD compares: African/African-American, 0.069%; no homozygotes.

Submissions (6):

PreventionGenetics, part of Exact Sciences
Classification: Uncertain significance for PLEC-related condition. Last evaluated: 2026-03-24. Review status: criteria provided, single submitter. Criteria: ACMG Guidelines, 2015. Collection method: clinical testing. Allele origin: germline.
Comment: The PLEC c.8492G>A variant is predicted to result in the amino acid substitution p.Arg2831His. To our knowledge, this variant has not been reported in the literature. This variant is reported in 0.083% of alleles in individuals of African descent in gnomAD, which is likely too common to be a primary cause of disease. Although we suspect this variant may be benign, at this time, the clinical significance of this variant is uncertain due to the absence of conclusive functional and genetic evidence.

Labcorp Genetics (formerly Invitae), Labcorp
Classification: Uncertain significance for Autosomal recessive limb-girdle muscular dystrophy type 2Q; Epidermolysis bullosa simplex, Ogna type; Epidermolysis bullosa simplex with nail dystrophy; Epidermolysis bullosa simplex 5C, with pyloric atresia; Epidermolysis bullosa simplex 5B, with muscular dystrophy. Last evaluated: 2026-02-01. Review status: criteria provided, single submitter. Criteria: Invitae Variant Classification Sherloc (09022015). Collection method: clinical testing. Allele origin: germline.
Comment: This sequence change replaces arginine, which is basic and polar, with histidine, which is basic and polar, at codon 2831 of the PLEC protein (p.Arg2831His). This variant is present in population databases (rs376796173, gnomAD 0.08%). This variant has not been reported in the literature in individuals affected with PLEC-related conditions. ClinVar contains an entry for this variant (Variation ID: 596408). An algorithm developed to predict the effect of missense changes on protein structure and function (PolyPhen-2) suggests that this variant is likely to be disruptive. In summary, the available evidence is currently insufficient to determine the role of this variant in disease. Therefore, it has been classified as a Variant of Uncertain Significance.

Mayo Clinic Laboratories, Mayo Clinic
Classification: Uncertain significance. Last evaluated: 2025-09-11. Review status: criteria provided, single submitter. Criteria: ACMG Guidelines, 2015. Collection method: clinical testing. Allele origin: germline. Observed: 1 variant allele.
Comment: PP3

Revvity Omics, Revvity
Classification: Uncertain significance. Last evaluated: 2024-08-30. Review status: criteria provided, single submitter. Criteria: ACMG Guidelines, 2015. Collection method: clinical testing. Allele origin: germline.

Ambry Genetics
Classification: Uncertain significance for Inborn genetic diseases. Last evaluated: 2021-08-12. Review status: criteria provided, single submitter. Criteria: Ambry Variant Classification Scheme 2023. Collection method: clinical testing. Allele origin: germline.

Eurofins Ntd Llc (ga)
Classification: Uncertain significance. Last evaluated: 2018-03-13. Review status: criteria provided, single submitter. Criteria: EGL ClinVar v180209 classification definitions. Collection method: clinical testing. Allele origin: germline. Observed: 1 variant allele, 1 heterozygote.

NM_201384.3(PLEC):c.8411G>A (p.Arg2804His)

Gene: PLEC (plectin; minus strand). Cytogenetic location: 8q24.3.
Variant type: single nucleotide variant.
Coding change: c.8411G>A on transcript NM_201384.3 (MANE Select); coding-DNA position 8411, G replaced by A.
Protein change: p.Arg2804His; replaces arginine 2804 with histidine.
Molecular consequence: missense variant.
Genome position (GRCh38, 1-based): chr8:143,921,410, C>T on the plus strand (G>A on the coding strand, the complement: PLEC is on the minus strand). VCF-style: chr8-143921410-C-T. GRCh37 (hg19) VCF-style: chr8-144995578-C-T.
Other names: p.Arg2831His; c.8492G>A (NM_000445.3); c.8492G>A, p.Arg2831His (NM_000445.5); c.8369G>A, p.Arg2790His (NM_201378.4); c.8345G>A, p.Arg2782His (NM_201379.3); c.8822G>A, p.Arg2941His (NM_201380.4); c.8315G>A, p.Arg2772His (NM_201381.3); c.8411G>A, p.Arg2804His (NM_201382.4); and 1 more; short protein forms R2772H, R2804H, R2782H, R2790H, R2808H, R2831H, R2941H.
Identifiers: ClinVar variation 596408 (VCV000596408.18), dbSNP rs376796173, ClinGen allele CA4925324.